The following is an entry in ClinVar:

NM_003890.3(FCGBP):c.6657A>G (p.Ala2219=)

Gene: FCGBP (Fc gamma binding protein; minus strand). Cytogenetic location: 19q13.2.
Variant type: single nucleotide variant.
Coding change: c.6657A>G on transcript NM_003890.3 (MANE Select); coding-DNA position 6657, A replaced by G.
Protein change: p.Ala2219=; no amino-acid change (alanine 2219 retained).
Molecular consequence: synonymous variant.
Identifiers: ClinVar variation 2649857 (VCV002649857.19), dbSNP rs1599910615, ClinGen allele CA507395831.

ClinVar aggregate classification (germline): Likely benign (1 of 4 stars; one submission).

Submission:

CeGaT Center for Human Genetics Tuebingen
Classification: Likely benign. Last evaluated: 2023-01-01. Review status: criteria provided, single submitter. Criteria: CeGaT Center For Human Genetics Tuebingen Variant Classification Criteria Version 2. Collection method: clinical testing. Allele origin: germline. Affected: yes. Observed: 1 variant allele.
Comment: FCGBP: BP4, BP7